The following is an entry in ClinVar:

NM_000214.3(JAG1):c.1961del (p.Ile654fs)

Gene: JAG1 (jagged canonical Notch ligand 1; minus strand). Cytogenetic location: 20p12.2.
Variant type: Deletion.
Coding change: c.1961del on transcript NM_000214.3 (MANE Select); coding-DNA position 1961, one base deleted (T; older notation c.1961delT).
Protein change: p.Ile654fs; shifts the reading frame from isoleucine 654.
Molecular consequence: frameshift variant.
Genome position (GRCh38, 1-based): chr20:10,646,009, A deleted on the plus strand (T on the coding strand, the reverse complement: JAG1 is on the minus strand). VCF-style (leftmost placement, unchanged base first): chr20-10646008-GA-G. GRCh37 (hg19) VCF-style: chr20-10626656-GA-G.
Other names: c.1961delT (NM_000214.3); short protein forms I654fs.
Identifiers: ClinVar variation 1805549 (VCV001805549.1), dbSNP rs2514514441, ClinGen allele CA923726190.
Genomic context (GRCh38, chr20:10,646,008, plus strand): 5'-TCCCCAAAGAGTGGCAGACTCACTGGTTTCACAGTAGGCCCCCTCCCAGCCGTCACTACA[GA>G]TGCACTTGTAGGAGTTGACACCATCGATGCAAGTGCCACCGTTTCTACAAGGGTTGCTCT-3'

ClinVar aggregate classification (germline): Pathogenic (1 of 4 stars; one submission).

Conditions:
Alagille syndrome due to a JAG1 point mutation. Also called: Alagille Syndrome 1; JAG1-Related Alagille Syndrome; HEPATIC DUCTULAR HYPOPLASIA, SYNDROMATIC. Identifiers: Orphanet 261619, Orphanet 52, MedGen C1956125, MONDO:0016862, OMIM 118450.

Submission:

Victorian Clinical Genetics Services, Murdoch Childrens Research Institute
Classification: Pathogenic for Alagille syndrome due to a JAG1 point mutation. Last evaluated: 2020-05-21. Review status: criteria provided, single submitter. Criteria: ACMG Guidelines, 2015. Collection method: clinical testing. Allele origin: germline. Inheritance: Autosomal dominant inheritance.
Comment: Based on the classification scheme VCGS_Germline_v1.1.1, this variant is classified as Pathogenic. Following criteria are met: 0102 - Loss-of-function is a known mechanism of disease for this gene. (N) 0107 - This gene is known to be associated with autosomal dominant disease. (N) 0112 - Variants in this gene are known to have reduced penetrance (OMIM). (N) 0201 - Variant is predicted to cause nonsense-mediated decay (NMD) and loss of protein (exon 15 of 26). (P) 0251 - Variant is heterozygous. (N) 0301 - Variant is absent from gnomAD. (P) 0701 - Comparable variants have very strong previous evidence for pathogenicity (ClinVar). (P) 0807 - Variant has not previously been reported in a clinical context. (N) 0905 - No segregation evidence has been identified for this variant. (N) 1007 - No published functional evidence has been identified for this variant. (N) 1102 - Strong phenotype match. (P) 1208 - Inheritance information for this variant is not currently available. (N) Legend: (P) - Pathogenic, (N) - Neutral, (B) - Benign